The following is an entry in ClinVar:

NM_000038.6(APC):c.5152G>T (p.Ala1718Ser)

Gene: APC (APC regulator of Wnt signaling pathway; plus strand). Cytogenetic location: 5q22.2.
Variant type: single nucleotide variant.
Coding change: c.5152G>T on transcript NM_000038.6 (MANE Select); coding-DNA position 5152, G replaced by T.
Protein change: p.Ala1718Ser; replaces alanine 1718 with serine.
Molecular consequence: missense variant.
Genome position (GRCh38, 1-based): chr5:112,840,746, G>T. VCF-style: chr5-112840746-G-T. GRCh37 (hg19) VCF-style: chr5-112176443-G-T.
Other names: c.5152G>T, p.Ala1718Ser (NM_001127510.3, NM_001354895.2); c.5098G>T, p.Ala1700Ser (NM_001127511.3); c.5206G>T, p.Ala1736Ser (NM_001354896.2); c.5152G>T (NM_000038.5); c.5182G>T, p.Ala1728Ser (NM_001354897.2); c.5077G>T, p.Ala1693Ser (NM_001354898.2); c.5068G>T, p.Ala1690Ser (NM_001354899.2); c.5029G>T, p.Ala1677Ser (NM_001354900.2); and 6 more; short protein forms A1592S, A1659S, A1718S, A1558S, A1617S, A1677S, A1690S, A1700S.
Identifiers: ClinVar variation 1524741 (VCV001524741.9), dbSNP rs2149933300, ClinGen allele CA16032593.

ClinVar aggregate classification (germline): Uncertain significance. Review status: criteria provided, multiple submitters, no conflicts (2 of 4 stars). 2 submissions from 2 submitters: Uncertain significance (2). Last evaluated 2025-05-16.

Conditions:
Hereditary cancer-predisposing syndrome. Also called: Neoplastic Syndromes, Hereditary; Hereditary Cancer Syndrome; Tumor predisposition; Hereditary neoplastic syndrome. Identifiers: Orphanet 140162, MedGen C0027672, MeSH D009386, MONDO:0015356.
Familial adenomatous polyposis 1 (FAP1). Also called: FAMILIAL ADENOMATOUS POLYPOSIS 1, ATTENUATED; POLYPOSIS, ADENOMATOUS INTESTINAL. Identifiers: MedGen C2713442, MONDO:0021056, OMIM 175100. Disease mechanism: loss of function.

Submissions (2):

Ambry Genetics
Classification: Uncertain significance for Hereditary cancer-predisposing syndrome. Last evaluated: 2025-05-16. Review status: criteria provided, single submitter. Criteria: Ambry Variant Classification Scheme 2023. Collection method: clinical testing. Allele origin: germline.
Comment: The p.A1718S variant (also known as c.5152G>T), located in coding exon 15 of the APC gene, results from a G to T substitution at nucleotide position 5152. The alanine at codon 1718 is replaced by serine, an amino acid with similar properties. This amino acid position is conserved. In addition, in silico predictors for this gene do not accurately predict pathogenicity. Based on the available evidence, the clinical significance of this variant remains unclear.

Labcorp Genetics (formerly Invitae), Labcorp
Classification: Uncertain significance for Familial adenomatous polyposis 1. Last evaluated: 2022-02-20. Review status: criteria provided, single submitter. Criteria: Invitae Variant Classification Sherloc (09022015). Collection method: clinical testing. Allele origin: germline.
Comment: This variant has not been reported in the literature in individuals affected with APC-related conditions. In summary, the available evidence is currently insufficient to determine the role of this variant in disease. Therefore, it has been classified as a Variant of Uncertain Significance. Algorithms developed to predict the effect of missense changes on protein structure and function (SIFT, PolyPhen-2, Align-GVGD) all suggest that this variant is likely to be tolerated. This variant is not present in population databases (gnomAD no frequency). This sequence change replaces alanine, which is neutral and non-polar, with serine, which is neutral and polar, at codon 1718 of the APC protein (p.Ala1718Ser).